The following is an entry in ClinVar:

NM_032608.7(MYO18B):c.3803G>A (p.Arg1268His)

Gene: MYO18B (myosin XVIIIB; plus strand). Cytogenetic location: 22q12.1.
Variant type: single nucleotide variant.
Coding change: c.3803G>A on transcript NM_032608.7 (MANE Select); coding-DNA position 3803, G replaced by A.
Protein change: p.Arg1268His; replaces arginine 1268 with histidine.
Molecular consequence: missense variant.
Genome position (GRCh38, 1-based): chr22:25,851,497, G>A. VCF-style: chr22-25851497-G-A. GRCh37 (hg19) VCF-style: chr22-26247464-G-A.
Other names: c.3806G>A, p.Arg1269His (NM_001318245.2); short protein forms R1268H, R1269H.
Identifiers: ClinVar variation 3614025 (VCV003614025.2).
Genomic context (GRCh38, chr22:25,851,497, plus strand): 5'-GTGCTCTTCTCCTGCCTGCTCCTACCTCCCTAGGCTATGCTGACCACATGGGGCTCACTC[G>A]CTTCCGCCGGCAATTCCAGGTGCTGGACGCTCCACTCCTGAAGAAGCTCATGTCGACCTC-3'
Protein context (NP_115997.5, residues 1258-1278): TGYADHMGLT[Arg1268His]FRRQFQVLDA

ClinVar aggregate classification (germline): Uncertain significance (1 of 4 stars; one submission).

gnomAD v4.1: 9 of 1,558,302 alleles (0.00058%); highest among the groups gnomAD compares: East Asian, 0.0048%; no homozygotes.

Submission:

Labcorp Genetics (formerly Invitae), Labcorp
Classification: Uncertain significance. Last evaluated: 2024-07-12. Review status: criteria provided, single submitter. Criteria: Invitae Variant Classification Sherloc (09022015). Collection method: clinical testing. Allele origin: germline.
Comment: This sequence change replaces arginine, which is basic and polar, with histidine, which is basic and polar, at codon 1268 of the MYO18B protein (p.Arg1268His). This variant is not present in population databases (gnomAD no frequency). This variant has not been reported in the literature in individuals affected with MYO18B-related conditions. An algorithm developed to predict the effect of missense changes on protein structure and function outputs the following: PolyPhen-2: "Benign". The histidine amino acid residue is found in multiple mammalian species, which suggests that this missense change does not adversely affect protein function. In summary, the available evidence is currently insufficient to determine the role of this variant in disease. Therefore, it has been classified as a Variant of Uncertain Significance.